The following is an entry in ClinVar:

ClinVar aggregate classification (germline): Pathogenic (1 of 4 stars; one submission).

Conditions:
Arrhythmogenic cardiomyopathy with wooly hair and keratoderma. Also called: PALMOPLANTAR KERATODERMA WITH LEFT VENTRICULAR CARDIOMYOPATHY AND WOOLLY HAIR; Carvajal syndrome; Dilated cardiomyopathy with woolly hair and keratoderma; Arrhythmogenic cardiomyopathy with woolly hair and keratoderma. Identifiers: Orphanet 65282, MedGen C1854063, MONDO:0011581, OMIM 605676.
Arrhythmogenic right ventricular dysplasia 8 (ARVD8). Also called: ARRHYTHMOGENIC RIGHT VENTRICULAR DYSPLASIA, FAMILIAL, 8; Arrhythmogenic Right Ventricular Dysplasia/Cardiomyopathy 8; ARRHYTHMOGENIC RIGHT VENTRICULAR CARDIOMYOPATHY 8. Identifiers: MedGen C1843896, MONDO:0011831, OMIM 607450.

Submission:

Labcorp Genetics (formerly Invitae), Labcorp
Classification: Pathogenic for Arrhythmogenic cardiomyopathy with wooly hair and keratoderma; Arrhythmogenic right ventricular dysplasia 8. Last evaluated: 2021-02-14. Review status: criteria provided, single submitter. Criteria: Invitae Variant Classification Sherloc (09022015). Collection method: clinical testing. Allele origin: germline.
Comment: This sequence change creates a premature translational stop signal (p.Tyr1188*) in the DSP gene. It is expected to result in an absent or disrupted protein product. Loss-of-function variants in DSP are known to be pathogenic (PMID: 20716751, 24503780, 25227139). This variant is not present in population databases (ExAC no frequency). This variant has been observed in individual(s) with Carvajal syndrome (PMID: 26303123, 30345701). For these reasons, this variant has been classified as Pathogenic.

Literature cited by the submitters: PubMed 20716751; PubMed 24503780; PubMed 25227139; PubMed 26303123; PubMed 30345701.

NM_004415.4(DSP):c.3564T>A (p.Tyr1188Ter)

Gene: DSP (desmoplakin; plus strand). Cytogenetic location: 6p24.3.
Variant type: single nucleotide variant.
Coding change: c.3564T>A on transcript NM_004415.4 (MANE Select); coding-DNA position 3564, T replaced by A.
Protein change: p.Tyr1188Ter; replaces tyrosine 1188 with a stop codon.
Molecular consequence: nonsense.
Genome position (GRCh38, 1-based): chr6:7,579,754, T>A. VCF-style: chr6-7579754-T-A. GRCh37 (hg19) VCF-style: chr6-7579987-T-A.
Other names: c.3564T>A, p.Tyr1188Ter (NM_001008844.3, NM_001319034.2); short protein forms Y1188*.
Identifiers: ClinVar variation 1454186 (VCV001454186.8), dbSNP rs2113692122, ClinGen allele CA362684347.